The following is an entry in ClinVar:

NM_001297595.2(SIN3B):c.1266+420G>C

Gene: SIN3B (SIN3 transcription regulator family member B; plus strand). Cytogenetic location: 19p13.11.
Variant type: single nucleotide variant.
Coding change: c.1266+420G>C on transcript NM_001297595.2 (MANE Select); 420 bases into the intron after coding-DNA position 1266, G replaced by C.
Molecular consequence: intron variant. On other transcripts: synonymous variant (1).
Genome position (GRCh38, 1-based): chr19:16,862,979, G>C. VCF-style: chr19-16862979-G-C. GRCh37 (hg19) VCF-style: chr19-16973790-G-C.
Other names: c.1362G>C, p.Gly454= (NM_015260.4).
Identifiers: ClinVar variation 4281152 (VCV004281152.7).
Genomic context (GRCh38, chr19:16,862,979, plus strand): 5'-AGACGATTACTGCATGTCCAAGTTCAAGAATACCTGCTGGATTCCAGGATATAGTGCAGG[G>C]GTCAGCAAACTCTGGCCCACGGGCCCTGGCCCGCTGCCCGTGTTTGTAAATAAAGTTTTA-3'

ClinVar aggregate classification (germline): Likely benign (1 of 4 stars; one submission).

gnomAD v4.1: 42 of 1,612,834 alleles (0.0026%); highest among the groups gnomAD compares: Non-Finnish European, 0.0031%; no homozygotes.

Submission:

CeGaT Center for Human Genetics Tuebingen
Classification: Likely benign. Last evaluated: 2025-09-01. Review status: criteria provided, single submitter. Criteria: CeGaT Center For Human Genetics Tuebingen Variant Classification Criteria Version 2. Collection method: clinical testing. Allele origin: germline. Affected: yes. Observed: 1 variant allele.
Comment: SIN3B: BP4, BP7